The following is an entry in ClinVar:

ClinVar aggregate classification (germline): Likely benign (0 of 4 stars; one submission).

Conditions:
MC3R-related disorder. Also called: MC3R-related condition.

Submission:

PreventionGenetics, part of Exact Sciences
Classification: Likely benign for MC3R-related condition. Last evaluated: 2023-12-11. Review status: no assertion criteria provided. Collection method: clinical testing. Allele origin: germline.
Comment: This variant is classified as likely benign based on ACMG/AMP sequence variant interpretation guidelines (Richards et al. 2015 PMID: 25741868, with internal and published modifications).

NM_019888.3(MC3R):c.490T>C (p.Leu164=)

Gene: MC3R (melanocortin 3 receptor; plus strand). Cytogenetic location: 20q13.2.
Variant type: single nucleotide variant.
Coding change: c.490T>C on transcript NM_019888.3 (MANE Select); coding-DNA position 490, T replaced by C.
Protein change: p.Leu164=; no amino-acid change (leucine 164 retained).
Molecular consequence: synonymous variant.
Genome position (GRCh38, 1-based): chr20:56,249,333, T>C. VCF-style: chr20-56249333-T-C. GRCh37 (hg19) VCF-style: chr20-54824389-T-C.
Identifiers: ClinVar variation 3355299 (VCV003355299.1).